The following is an entry in ClinVar:

NM_017636.4(TRPM4):c.3640+1_3641-61del

Gene: TRPM4 (transient receptor potential cation channel subfamily M member 4; plus strand). Cytogenetic location: 19q13.33.
Variant type: Deletion.
Coding change: c.3640+1_3641-61del on transcript NM_017636.4 (MANE Select); the canonical splice donor site of the intron after coding-DNA position 3640 through 61 bases into the intron before coding-DNA position 3641, 164 bases deleted.
Molecular consequence: splice donor variant.
Genome position (GRCh38, 1-based): chr19:49,211,270-49,211,433, 164 bases deleted. GRCh37 (hg19): chr19:49,714,527-49,714,690.
Other names: c.3205+1_3206-61del (NM_001195227.2); c.2032+1_2033-61del (NM_001321282.2); c.3295+1_3296-61del (NM_001321281.2); c.3118+1_3119-61del (NM_001321283.2); c.2578+1_2579-61del (NM_001321285.2).
Identifiers: ClinVar variation 3664392 (VCV003664392.2).

ClinVar aggregate classification (germline): Uncertain significance (1 of 4 stars; one submission).

Conditions:
Progressive familial heart block type IB (PFHB1B). Identifiers: Orphanet 871, MedGen C1970298, MONDO:0011474, OMIM 604559.

Submission:

Labcorp Genetics (formerly Invitae), Labcorp
Classification: Uncertain significance for Progressive familial heart block type IB. Last evaluated: 2024-09-03. Review status: criteria provided, single submitter. Criteria: Invitae Variant Classification Sherloc (09022015). Collection method: clinical testing. Allele origin: germline.
Comment: This sequence change affects a splice site in intron 24 of the TRPM4 gene. It is expected to disrupt RNA splicing. Variants that disrupt the donor or acceptor splice site typically lead to a loss of protein function (PMID: 16199547), however the current clinical and genetic evidence is not sufficient to establish whether loss-of-function variants in TRPM4 cause disease. This variant is not present in population databases (gnomAD no frequency). This variant has not been reported in the literature in individuals affected with TRPM4-related conditions. In summary, the available evidence is currently insufficient to determine the role of this variant in disease. Therefore, it has been classified as a Variant of Uncertain Significance.

Literature cited by the submitters: PubMed 16199547.